The following is an entry in ClinVar:

ClinVar aggregate classification (germline): Pathogenic. Review status: criteria provided, multiple submitters, no conflicts (2 of 4 stars). 20 submissions from 20 submitters: Pathogenic (14). 6 of the submissions do not count toward it. Last evaluated 2026-01-01.

Conditions:
ADCY5-related disorder. Also called: ADCY5-related condition.
Hypermetabolism due to defect in mitochondria. Identifiers: MedGen C1855926, MONDO:0009391, OMIM 238800.
Inborn genetic diseases. Identifiers: MedGen C0950123, MeSH D030342.
Dyskinesia with orofacial involvement, autosomal dominant (DSKOD). Also called: Dyskinesia, familial, with facial myokymia; Familial dyskinesia and facial myokymia; Familial Dyskinesia with Facial Myokymia (FDFM). Identifiers: Orphanet 324588, MedGen C1847627, MONDO:0800028, OMIM 606703.

Submissions 1 to 13 of 20:

CeGaT Center for Human Genetics Tuebingen
Classification: Pathogenic. Last evaluated: 2026-01-01. Review status: criteria provided, single submitter. Criteria: CeGaT Center For Human Genetics Tuebingen Variant Classification Criteria Version 2. Collection method: clinical testing. Allele origin: germline. Affected: yes. Observed: 7 variant alleles.
Comment: ADCY5: PM2, PM5, PM6, PS4:Moderate, PP2, PP3

3billion
Classification: Pathogenic for Dyskinesia with orofacial involvement, autosomal dominant. Last evaluated: 2025-10-26. Review status: criteria provided, single submitter. Criteria: ACMG Guidelines, 2015. Collection method: clinical testing. Allele origin: germline. Affected: yes.
Comment: The variant is not observed in the gnomAD v4.1.0 dataset. Predicted Consequence/Location: Missense variant Functional studies provide strong evidence of the variant having a damaging effect on the gene or gene product (PMID: 24700542, 30772269). In silico tool predictions suggest damaging effect of the variant on gene or gene product [REVEL: 0.95 (>=0.6, sensitivity 0.68 and specificity 0.92); 3Cnet: 0.99 (> 0.75, sensitivity 0.96 and precision 0.92)]. The same nucleotide change resulting in the same amino acid change has been previously reported as pathogenic/likely pathogenic with strong evidence (ClinVar ID: VCV000162090 /PMID: 24700542 /3billion dataset). Different missense changes at the same codon (p.Arg418Gln, p.Arg418Gly) have been reported as pathogenic/likely pathogenic with strong evidence (ClinVar ID: VCV000218354, VCV001722770 /PMID: 26537056, 27061943 /3billion dataset). Therefore, this variant is classified as Pathogenic according to the recommendation of ACMG/AMP guideline.

Labcorp Genetics (formerly Invitae), Labcorp
Classification: Pathogenic. Last evaluated: 2025-04-14. Review status: criteria provided, single submitter. Criteria: Invitae Variant Classification Sherloc (09022015). Collection method: clinical testing. Allele origin: germline.
Comment: This sequence change replaces arginine, which is basic and polar, with tryptophan, which is neutral and slightly polar, at codon 418 of the ADCY5 protein (p.Arg418Trp). This variant is not present in population databases (gnomAD no frequency). This missense change has been observed in individual(s) with ADCY5-related dyskinesia (PMID: 24700542, 26085604). In at least one individual the variant was observed to be de novo. ClinVar contains an entry for this variant (Variation ID: 162090). Invitae Evidence Modeling of protein sequence and biophysical properties (such as structural, functional, and spatial information, amino acid conservation, physicochemical variation, residue mobility, and thermodynamic stability) indicates that this missense variant is expected to disrupt ADCY5 protein function with a positive predictive value of 95%. Experimental studies have shown that this missense change affects ADCY5 function (PMID: 24700542). For these reasons, this variant has been classified as Pathogenic.

Institute of Human Genetics Munich, TUM University Hospital
Classification: Pathogenic for Dyskinesia with orofacial involvement, autosomal dominant. Last evaluated: 2025-01-23. Review status: criteria provided, single submitter. Criteria: Classification criteria August 2017. Collection method: clinical testing. Allele origin: germline. Inheritance: Autosomal dominant inheritance. Affected: yes. Observed: 1 variant allele.

Blueprint Genetics
Classification: Pathogenic for ADCY5-related disorders. Last evaluated: 2024-07-05. Review status: criteria provided, single submitter. Criteria: ACMG Guidelines, 2015. Collection method: clinical testing. Allele origin: de novo. Affected: yes. Observed: 5 variant alleles.

Victorian Clinical Genetics Services, Murdoch Childrens Research Institute
Classification: Pathogenic for Dyskinesia with orofacial involvement, autosomal dominant. Last evaluated: 2022-09-02. Review status: criteria provided, single submitter. Criteria: ACMG Guidelines, 2015. Collection method: clinical testing. Allele origin: germline. Inheritance: Autosomal dominant inheritance. Affected: yes.
Comment: Based on the classification scheme VCGS_Germline_v1.3.4, this variant is classified as Pathogenic. Following criteria are met: 0103 - Loss of function and gain of function are known mechanisms of disease in this gene and are associated with autosomal recessive dyskinesia with orofacial involvement (MIM#619647) and autosomal dominant dyskinesia with orofacial involvement (MIM#606703), respectively. Loss of function is the likely mechanism of neurodevelopmental disorder with hyperkinetic movements and dyskinesia (PMID: 28971144, PMID: 30975617). (I) 0108 - This gene is associated with both recessive and dominant disease (OMIM). (I) 0200 - Variant is predicted to result in a missense amino acid change from arginine to tryptophan. (I) 0254 - This variant is confirmed mosaic. (I) 0301 - Variant is absent from gnomAD (both v2 and v3). (SP) 0501 - Missense variant consistently predicted to be damaging by multiple in silico tools or highly conserved with a major amino acid change. (SP) 0600 - Variant is located in the annotated AC_N domain (NCBI conserved domain). (I) 0703 - Other variants comparable to the one identified in this case have moderate previous evidence for pathogenicity. These alternative changes (p.(Arg418Gln), p.(Arg418Gly), p.Arg418Thr)) have been previously reported (ClinVar, PMID: 28511835, PMID: 28442302). (SP) 0801 - This variant has strong previous evidence of pathogenicity in unrelated individuals. This variant has been reported multiple times as pathogenic and de novo in individuals with childhood onset involuntary paroxysmal choreiform and dystonic movements. In one individual, the variant was mosaic (ClinVar, PMID: 24700542, PMID: 28511835, PMID: 32713175). (SP) 1002 - This variant has moderate functional evidence supporting abnormal protein function, demonstrating increased adenyl cyclase activity compared to wildtype controls (PMID: 24700542). (SP) 1208 - Inheritance information for this variant is not currently available in this individual. (I) Legend: (SP) - Supporting pathogenic, (I) - Information, (SB) - Supporting benign

GeneDx
Classification: Pathogenic. Last evaluated: 2022-05-25. Review status: criteria provided, single submitter. Criteria: GeneDx Variant Classification Process June 2021. Collection method: clinical testing. Allele origin: germline. Affected: yes.
Comment: Published functional studies demonstrate a damaging effect; specifically, the R418W variant revealed significant increase in intracellular cAMP and adenylyl cyclase activity, as compared to wild type, consistent with a gain-of-function effect (Chen et al., 2014; Doyle et al., 2019).; Not observed at significant frequency in large population cohorts (gnomAD); In silico analysis supports that this missense variant has a deleterious effect on protein structure/function; This variant is associated with the following publications: (PMID: 24700542, 25790160, 26537056, 30772269, 31422281, 29996192, 31628766, 32713175, 26085604, 27052971, 26686870, 29473048, 28511835, 28849312, 30345538, 33426171, 33827957, 33098801)

AURAGEN, Plan France Médecine Génomique
Classification: Pathogenic for Hypermetabolism due to defect in mitochondria. Last evaluated: 2021-01-11. Review status: criteria provided, single submitter. Criteria: PFMG2025 (Lancet Reg Health Eur. 2025). Collection method: clinical testing. Allele origin: germline. Affected: yes.

Institute of Medical Genetics and Applied Genomics, University Hospital Tübingen
Classification: Pathogenic. Last evaluated: 2020-10-23. Review status: criteria provided, single submitter. Criteria: ACMG Guidelines, 2015. Collection method: clinical testing. Allele origin: germline. Inheritance: Autosomal dominant inheritance. Affected: yes.

Institute of Human Genetics, University of Leipzig Medical Center
Classification: Pathogenic for Dyskinesia with orofacial involvement, autosomal dominant. Last evaluated: 2018-07-25. Review status: criteria provided, single submitter. Criteria: ACMG Guidelines, 2015. Collection method: clinical testing. Allele origin: germline. Affected: yes. Observed: 1 variant allele.

Ambry Genetics
Classification: Pathogenic for Inborn genetic diseases. Last evaluated: 2016-10-11. Review status: criteria provided, single submitter. Criteria: Ambry exome assertion method (8-5-2015). Collection method: clinical testing. Allele origin: germline. Affected: yes. Observed: 6 variant alleles. Clinical features observed: Movement disorder (HP:0100022), Dystonia (HP:0001332), Chorea (HP:0002072), Dyskinesia (HP:0100660), Craniofacial dystonia (HP:0012179), Delayed gross motor development (HP:0002194), Speech articulation difficulties (HP:0009088), Gait disturbance (HP:0001288), Back pain (HP:0003418), Photophobia (HP:0000613), Headache (HP:0002315), Bilateral ptosis (HP:0001488), and 25 more.

Scripps Translational Science Institute, Scripps Health and The Scripps Research Institute
Classification: Pathogenic for Dyskinesia with orofacial involvement, autosomal dominant. Last evaluated: 2015-12-15. Review status: criteria provided, single submitter. Criteria: STSI_classification_crtieria_for_IDIOM. Collection method: research. Allele origin: de novo. Affected: yes. Observed: 2 variant alleles. Study: IDIOM.

Baylor Genetics
Classification: Pathogenic for Dyskinesia with orofacial involvement, autosomal dominant. Review status: criteria provided, single submitter. Criteria: ACMG Guidelines, 2015. Collection method: clinical testing. Allele origin: unknown.

NM_183357.3(ADCY5):c.1252C>T (p.Arg418Trp)

Gene: ADCY5 (adenylate cyclase 5; minus strand). Cytogenetic location: 3q21.1.
Variant type: single nucleotide variant.
Coding change: c.1252C>T on transcript NM_183357.3 (MANE Select); coding-DNA position 1252, C replaced by T.
Protein change: p.Arg418Trp; replaces arginine 418 with tryptophan.
Molecular consequence: missense variant.
Genome position (GRCh38, 1-based): chr3:123,352,464, G>A on the plus strand (C>T on the coding strand, the complement: ADCY5 is on the minus strand). VCF-style: chr3-123352464-G-A. GRCh37 (hg19) VCF-style: chr3-123071311-G-A.
Other names: c.202C>T, p.Arg68Trp (NM_001199642.1); c.1252C>T, p.Arg418Trp (NM_001378259.1); short protein forms R418W, R68W.
Identifiers: ClinVar variation 162090 (VCV000162090.79), dbSNP rs864309483, ClinGen allele CA347787.